The following is an entry in ClinVar:

NM_144997.7(FLCN):c.472A>C (p.Ile158Leu)

Gene: FLCN (folliculin; minus strand). Cytogenetic location: 17p11.2.
Variant type: single nucleotide variant.
Coding change: c.472A>C on transcript NM_144997.7 (MANE Select); coding-DNA position 472, A replaced by C.
Protein change: p.Ile158Leu; replaces isoleucine 158 with leucine.
Molecular consequence: missense variant.
Genome position (GRCh38, 1-based): chr17:17,224,068, T>G on the plus strand (A>C on the coding strand, the complement: FLCN is on the minus strand). VCF-style: chr17-17224068-T-G. GRCh37 (hg19) VCF-style: chr17-17127382-T-G.
Other names: c.526A>C, p.Ile176Leu (NM_001353229.2); c.472A>C, p.Ile158Leu (NM_001353230.2, NM_001353231.2, NM_144606.7); short protein forms I158L, I176L.
Identifiers: ClinVar variation 1715285 (VCV001715285.6), dbSNP rs2047178671, ClinGen allele CA398534484.

ClinVar aggregate classification (germline): Uncertain significance (1 of 4 stars; one submission).

Conditions:
Birt-Hogg-Dube syndrome. Also called: Birt Hogg Dubé syndrome. Identifiers: Orphanet 122, MedGen C0346010, MONDO:0800444.

Submission:

Labcorp Genetics (formerly Invitae), Labcorp
Classification: Uncertain significance for Birt-Hogg-Dube syndrome. Last evaluated: 2022-08-06. Review status: criteria provided, single submitter. Criteria: Invitae Variant Classification Sherloc (09022015). Collection method: clinical testing. Allele origin: germline.
Comment: In summary, the available evidence is currently insufficient to determine the role of this variant in disease. Therefore, it has been classified as a Variant of Uncertain Significance. Algorithms developed to predict the effect of missense changes on protein structure and function (SIFT, PolyPhen-2, Align-GVGD) all suggest that this variant is likely to be tolerated. This variant has not been reported in the literature in individuals affected with FLCN-related conditions. This variant is not present in population databases (gnomAD no frequency). This sequence change replaces isoleucine, which is neutral and non-polar, with leucine, which is neutral and non-polar, at codon 158 of the FLCN protein (p.Ile158Leu).